The following is an entry in ClinVar:

NM_001009944.3(PKD1):c.10700C>T (p.Ala3567Val)

Genes: PKD1 (polycystin 1, transient receptor potential channel interacting; minus strand), PKD1-AS1 (PKD1 antisense RNA 1; plus strand). Cytogenetic location: 16p13.3.
Variant type: single nucleotide variant.
Coding change: c.10700C>T on transcript NM_001009944.3 (MANE Select); coding-DNA position 10700, C replaced by T.
Protein change: p.Ala3567Val; replaces alanine 3567 with valine.
Molecular consequence: missense variant.
Genome position (GRCh38, 1-based): chr16:2,093,932, G>A on the plus strand (C>T on the coding strand, the complement: PKD1 is on the minus strand). VCF-style: chr16-2093932-G-A. GRCh37 (hg19) VCF-style: chr16-2143933-G-A.
Other names: c.10697C>T, p.Ala3566Val (NM_000296.4); short protein forms A3566V, A3567V.
Identifiers: ClinVar variation 1694780 (VCV001694780.31), dbSNP rs2151708958, ClinGen allele CA394340572.

ClinVar aggregate classification (germline): Likely pathogenic (1 of 4 stars; one submission).

Submission:

CeGaT Center for Human Genetics Tuebingen
Classification: Likely pathogenic. Last evaluated: 2022-05-01. Review status: criteria provided, single submitter. Criteria: CeGaT Center For Human Genetics Tuebingen Variant Classification Criteria Version 2. Collection method: clinical testing. Allele origin: germline. Affected: yes. Observed: 1 variant allele.
Comment: PKD1: PS2, PM2, PVS1:Moderate